The following is an entry in ClinVar:

ClinVar aggregate classification (germline): Uncertain significance (1 of 4 stars; one submission).

Conditions:
Hereditary sensory and autonomic neuropathy type 7. Also called: HSAN VII; Neuropathy, hereditary sensory and autonomic, type VII. Identifiers: Orphanet 391397, MedGen C3809882, MONDO:0014244, OMIM 615548.
Familial episodic pain syndrome with predominantly lower limb involvement. Also called: Episodic pain syndrome, familial, 3. Identifiers: Orphanet 391384, Orphanet 391392, MedGen C3809899, MONDO:0014247, OMIM 615552.

Allele frequency attached by ClinVar (database versions not stated): gnomAD exomes below 0.00001.
gnomAD v4.1: 1 of 1,613,970 alleles (0.000062%); highest among the groups gnomAD compares: African/African-American, 0.0013%; no homozygotes.

Submission:

Labcorp Genetics (formerly Invitae), Labcorp
Classification: Uncertain significance for Familial episodic pain syndrome with predominantly lower limb involvement; Hereditary sensory and autonomic neuropathy type 7. Last evaluated: 2023-10-05. Review status: criteria provided, single submitter. Criteria: Invitae Variant Classification Sherloc (09022015). Collection method: clinical testing. Allele origin: germline.
Comment: This sequence change replaces proline, which is neutral and non-polar, with leucine, which is neutral and non-polar, at codon 18 of the SCN11A protein (p.Pro18Leu). This variant is not present in population databases (gnomAD no frequency). This variant has not been reported in the literature in individuals affected with SCN11A-related conditions. ClinVar contains an entry for this variant (Variation ID: 861569). Advanced modeling of protein sequence and biophysical properties (such as structural, functional, and spatial information, amino acid conservation, physicochemical variation, residue mobility, and thermodynamic stability) performed at Invitae indicates that this missense variant is not expected to disrupt SCN11A protein function. In summary, the available evidence is currently insufficient to determine the role of this variant in disease. Therefore, it has been classified as a Variant of Uncertain Significance.

NM_001349253.2(SCN11A):c.53C>T (p.Pro18Leu)

Gene: SCN11A (sodium voltage-gated channel alpha subunit 11; minus strand). Cytogenetic location: 3p22.2.
Variant type: single nucleotide variant.
Coding change: c.53C>T on transcript NM_001349253.2 (MANE Select); coding-DNA position 53, C replaced by T.
Protein change: p.Pro18Leu; replaces proline 18 with leucine.
Molecular consequence: missense variant.
Genome position (GRCh38, 1-based): chr3:38,950,310, G>A on the plus strand (C>T on the coding strand, the complement: SCN11A is on the minus strand). VCF-style: chr3-38950310-G-A. GRCh37 (hg19) VCF-style: chr3-38991801-G-A.
Other names: c.53C>T, p.Pro18Leu (NM_014139.3); short protein forms P18L.
Identifiers: ClinVar variation 861569 (VCV000861569.6), dbSNP rs2066592877, ClinGen allele CA352176900.